The following is an entry in ClinVar:

NM_020795.4(NLGN2):c.2260G>A (p.Gly754Arg)

Gene: NLGN2 (neuroligin 2; plus strand). Cytogenetic location: 17p13.1.
Variant type: single nucleotide variant.
Coding change: c.2260G>A on transcript NM_020795.4 (MANE Select); coding-DNA position 2260, G replaced by A.
Protein change: p.Gly754Arg; replaces glycine 754 with arginine.
Molecular consequence: missense variant.
Genome position (GRCh38, 1-based): chr17:7,417,551, G>A. VCF-style: chr17-7417551-G-A. GRCh37 (hg19) VCF-style: chr17-7320870-G-A.
Other names: short protein forms G754R.
Identifiers: ClinVar variation 1656852 (VCV001656852.16), dbSNP rs201523501, ClinGen allele CA8346256.

ClinVar aggregate classification (germline): Benign/Likely benign. Review status: criteria provided, multiple submitters, no conflicts (2 of 4 stars). 2 submissions from 2 submitters: Benign (1); Likely benign (1). Last evaluated 2026-08-01.

Allele frequency attached by ClinVar (database versions not stated): 1000 Genomes Project 0.00200; 1000 Genomes Project 30x 0.00203; ESP Exome Variant Server 0.00299; TOPMed 0.00333; gnomAD 0.00345 and 0.00354; gnomAD exomes 0.00498 and 0.00558.
gnomAD v4.1: 7,793 of 1,457,454 alleles (0.53%); highest among the groups gnomAD compares: Non-Finnish European, 0.61%; 32 homozygotes.

Submissions (2):

CeGaT Center for Human Genetics Tuebingen
Classification: Likely benign. Last evaluated: 2026-08-01. Review status: criteria provided, single submitter. Criteria: CeGaT Center For Human Genetics Tuebingen Variant Classification Criteria Version 2. Collection method: clinical testing. Allele origin: germline. Affected: yes. Observed: 10 variant alleles.
Comment: NLGN2: BS2

Labcorp Genetics (formerly Invitae), Labcorp
Classification: Benign. Last evaluated: 2026-01-16. Review status: criteria provided, single submitter. Criteria: Invitae Variant Classification Sherloc (09022015). Collection method: clinical testing. Allele origin: germline.